The following is an entry in ClinVar:

NM_000051.4(ATM):c.4433A>T (p.Gln1478Leu)

Gene: ATM (ATM serine/threonine kinase; plus strand). Cytogenetic location: 11q22.3.
Variant type: single nucleotide variant.
Coding change: c.4433A>T on transcript NM_000051.4 (MANE Select); coding-DNA position 4433, A replaced by T.
Protein change: p.Gln1478Leu; replaces glutamine 1478 with leucine.
Molecular consequence: missense variant.
Genome position (GRCh38, 1-based): chr11:108,289,798, A>T. VCF-style: chr11-108289798-A-T. GRCh37 (hg19) VCF-style: chr11-108160525-A-T.
Other names: c.4433A>T, p.Gln1478Leu (NM_001351834.2); short protein forms Q1478L.
Identifiers: ClinVar variation 1476486 (VCV001476486.6), dbSNP rs2082686442, ClinGen allele CA382532288.

ClinVar aggregate classification (germline): Uncertain significance (1 of 4 stars; one submission).

Conditions:
Ataxia-telangiectasia syndrome (AT). Also called: ATAXIA-TELANGIECTASIA, COMPLEMENTATION GROUP A; ATAXIA-TELANGIECTASIA, FRESNO VARIANT; LOUIS-BAR SYNDROME; Ataxia-telangiectasia; Cerebello-oculocutaneous telangiectasia; Immunodeficiency with ataxia telangiectasia. Identifiers: Orphanet 100, MedGen C0004135, MONDO:0008840, OMIM 208900.

Submission:

Labcorp Genetics (formerly Invitae), Labcorp
Classification: Uncertain significance for Ataxia-telangiectasia syndrome. Last evaluated: 2021-11-12. Review status: criteria provided, single submitter. Criteria: Invitae Variant Classification Sherloc (09022015). Collection method: clinical testing. Allele origin: germline.
Comment: In summary, the available evidence is currently insufficient to determine the role of this variant in disease. Therefore, it has been classified as a Variant of Uncertain Significance. Advanced modeling of protein sequence and biophysical properties (such as structural, functional, and spatial information, amino acid conservation, physicochemical variation, residue mobility, and thermodynamic stability) performed at Invitae indicates that this missense variant is not expected to disrupt ATM protein function. This variant has not been reported in the literature in individuals affected with ATM-related conditions. This variant is not present in population databases (gnomAD no frequency). This sequence change replaces glutamine, which is neutral and polar, with leucine, which is neutral and non-polar, at codon 1478 of the ATM protein (p.Gln1478Leu).